The following is an entry in ClinVar:

NM_020806.5(GPHN):c.950G>T (p.Cys317Phe)

Gene: GPHN (gephyrin; plus strand). Cytogenetic location: 14q23.3.
Variant type: single nucleotide variant.
Coding change: c.950G>T on transcript NM_020806.5 (MANE Select); coding-DNA position 950, G replaced by T.
Protein change: p.Cys317Phe; replaces cysteine 317 with phenylalanine.
Molecular consequence: missense variant.
Genome position (GRCh38, 1-based): chr14:66,965,312, G>T. VCF-style: chr14-66965312-G-T. GRCh37 (hg19) VCF-style: chr14-67432029-G-T.
Other names: c.851G>T, p.Cys284Phe (NM_001024218.2, NM_001377515.1, NM_001377516.1 and 2 more transcripts); c.890G>T, p.Cys297Phe (NM_001377514.1, NM_001377519.1); short protein forms C284F, C297F, C317F.
Identifiers: ClinVar variation 1305745 (VCV001305745.3), dbSNP rs2153587611, ClinGen allele CA390257611.
Genomic context (GRCh38, chr14:66,965,312, plus strand): 5'-GCACTACTCCTTCAGAATCGCCTCGTGCTCAGGCTACATCTCGCCTCTCTACAGCTTCCT[G>T]CCCAACACCAAAAGTAAGTATGGTTCCTTCGCATCTTACACCTGCTCTTCTATAGTAATC-3'
Protein context (NP_065857.1, residues 307-327): QATSRLSTAS[Cys317Phe]PTPKVQSRCS

ClinVar aggregate classification (germline): Uncertain significance (1 of 4 stars; one submission).

gnomAD v4.1: 1 of 1,613,576 alleles (0.000062%); highest among the groups gnomAD compares: Non-Finnish European, 0.000085%; no homozygotes.

Submission:

GeneDx
Classification: Uncertain significance. Last evaluated: 2024-03-25. Review status: criteria provided, single submitter. Criteria: GeneDx Variant Classification Process June 2021. Collection method: clinical testing. Allele origin: germline. Affected: yes.
Comment: Not observed at significant frequency in large population cohorts (gnomAD); In silico analysis supports that this missense variant has a deleterious effect on protein structure/function; Has not been previously published as pathogenic or benign to our knowledge